The following is an entry in ClinVar:

ClinVar aggregate classification (germline): Likely benign (1 of 4 stars; one submission).

Submission:

CeGaT Center for Human Genetics Tuebingen
Classification: Likely benign. Last evaluated: 2022-11-01. Review status: criteria provided, single submitter. Criteria: CeGaT Center For Human Genetics Tuebingen Variant Classification Criteria Version 2. Collection method: clinical testing. Allele origin: germline. Affected: yes. Observed: 1 variant allele.
Comment: FOXP3: PM2:Supporting, BP4, BP7

NM_014009.4(FOXP3):c.1257G>A (p.Gln419=)

Gene: FOXP3 (forkhead box P3; minus strand). Cytogenetic location: Xp11.23.
Variant type: single nucleotide variant.
Coding change: c.1257G>A on transcript NM_014009.4 (MANE Select); coding-DNA position 1257, G replaced by A.
Protein change: p.Gln419=; no amino-acid change (glutamine 419 retained).
Molecular consequence: synonymous variant.
Genome position (GRCh38, 1-based): chrX:49,251,373, C>T on the plus strand (G>A on the coding strand, the complement: FOXP3 is on the minus strand). VCF-style: chrX-49251373-C-T. GRCh37 (hg19) VCF-style: chrX-49107834-C-T.
Other names: c.1152G>A, p.Gln384= (NM_001114377.2).
Identifiers: ClinVar variation 2660529 (VCV002660529.24), dbSNP rs2066029760, ClinGen allele CA516569781.